The following is an entry in ClinVar:

NM_024747.6(HPS6):c.91_92delinsTT (p.Ala31Leu)

Genes: HPS6 (HPS6 biogenesis of lysosomal organelles complex 2 subunit 3; plus strand), LOC130004578 (ATAC-STARR-seq lymphoblastoid silent region 2738; plus strand). Cytogenetic location: 10q24.32.
Variant type: Indel.
Coding change: c.91_92delinsTT on transcript NM_024747.6 (MANE Select); coding-DNA positions 91 to 92, GC replaced by TT.
Protein change: p.Ala31Leu; replaces alanine 31 with leucine.
Molecular consequence: missense variant.
Genome position (GRCh38, 1-based): chr10:102,065,565-102,065,566, GC replaced by TT. VCF-style: chr10-102065565-GC-TT. GRCh37 (hg19) VCF-style: chr10-103825322-GC-TT.
Other names: c.91_92delinsTT (NM_024747.5); short protein forms A31L.
Identifiers: ClinVar variation 1411911 (VCV001411911.4), dbSNP rs2136333678, ClinGen allele CA2573145468.

ClinVar aggregate classification (germline): Uncertain significance. Review status: criteria provided, multiple submitters, no conflicts (2 of 4 stars). 2 submissions from 2 submitters: Uncertain significance (2). Last evaluated 2024-12-03.

Submissions (2):

GeneDx
Classification: Uncertain significance. Last evaluated: 2024-12-03. Review status: criteria provided, single submitter. Criteria: GeneDx Variant Classification Process June 2021. Collection method: clinical testing. Allele origin: germline. Affected: yes.
Comment: Not observed at significant frequency in large population cohorts (gnomAD); In silico analysis indicates that this variant does not alter protein structure/function; Has not been previously published as pathogenic or benign to our knowledge

Labcorp Genetics (formerly Invitae), Labcorp
Classification: Uncertain significance. Last evaluated: 2022-02-28. Review status: criteria provided, single submitter. Criteria: Invitae Variant Classification Sherloc (09022015). Collection method: clinical testing. Allele origin: germline.
Comment: This sequence change replaces alanine, which is neutral and non-polar, with leucine, which is neutral and non-polar, at codon 31 of the HPS6 protein (p.Ala31Leu). This variant is present in population databases (no rsID available, gnomAD 0.4%). This variant has not been reported in the literature in individuals affected with HPS6-related conditions. Algorithms developed to predict the effect of missense changes on protein structure and function are either unavailable or do not agree on the potential impact of this missense change (SIFT: "Not Available"; PolyPhen-2: "Benign"; Align-GVGD: "Not Available"). In summary, the available evidence is currently insufficient to determine the role of this variant in disease. Therefore, it has been classified as a Variant of Uncertain Significance.